The following is an entry in ClinVar:

ClinVar aggregate classification (germline): Uncertain significance (1 of 4 stars; one submission).

Submission:

CeGaT Center for Human Genetics Tuebingen
Classification: Uncertain significance. Last evaluated: 2025-06-01. Review status: criteria provided, single submitter. Criteria: CeGaT Center For Human Genetics Tuebingen Variant Classification Criteria Version 2. Collection method: clinical testing. Allele origin: germline. Affected: yes. Observed: 1 variant allele.
Comment: TAF6: PM2

NM_139315.3(TAF6):c.1358G>A (p.Gly453Glu)

Genes: AP4M1 (adaptor related protein complex 4 subunit mu 1; plus strand), TAF6 (TATA-box binding protein associated factor 6; minus strand). Cytogenetic location: 7q22.1.
Variant type: single nucleotide variant.
Coding change: c.1358G>A on transcript NM_139315.3 (MANE Select); coding-DNA position 1358, G replaced by A.
Protein change: p.Gly453Glu; replaces glycine 453 with glutamic acid.
Molecular consequence: missense variant. On other transcripts: non-coding transcript variant (1), 3 prime UTR variant (2).
Genome position (GRCh38, 1-based): chr7:100,108,467, C>T on the plus strand (G>A on the coding strand, the complement: TAF6 is on the minus strand). VCF-style: chr7-100108467-C-T. GRCh37 (hg19) VCF-style: chr7-99706090-C-T.
Other names: c.1469G>A, p.Gly490Glu (NM_001190415.2); c.1358G>A, p.Gly453Glu (NM_001364998.1, NM_001364999.1, NM_005641.4); c.1328G>A, p.Gly443Glu (NM_001365000.1, NM_001365001.1, NM_001365002.1 and 1 more transcripts); c.1496G>A, p.Gly499Glu (NM_001365004.1); c.*1585C>T (NM_001363671.2, NM_004722.4); short protein forms G443E, G453E, G490E, G499E.
Identifiers: ClinVar variation 3906050 (VCV003906050.10).
Genomic context (GRCh38, chr7:100,108,467, plus strand): 5'-TGCAGAGCAGCCTGGGCCCGAGCCTTGACCACCTGGGAGCAGAGGAGGGGCCCAAGGGAC[C>T]CGAATTCTGCCCGATAGGCGTCCTGATTGTCAGGCGGTGGGCGCAGCTTTGCCAGAACAG-3'
Protein context (NP_647476.1, residues 443-463): DNQDAYRAEF[Gly453Glu]SLGPLLCSQV